The following is an entry in ClinVar:

NM_052854.4(CREB3L1):c.523G>A (p.Gly175Arg)

Gene: CREB3L1 (cAMP responsive element binding protein 3 like 1; plus strand). Cytogenetic location: 11p11.2.
Variant type: single nucleotide variant.
Coding change: c.523G>A on transcript NM_052854.4 (MANE Select); coding-DNA position 523, G replaced by A.
Protein change: p.Gly175Arg; replaces glycine 175 with arginine.
Molecular consequence: missense variant.
Genome position (GRCh38, 1-based): chr11:46,309,995, G>A. VCF-style: chr11-46309995-G-A. GRCh37 (hg19) VCF-style: chr11-46331546-G-A.
Other names: c.523G>A (NM_052854.2); short protein forms G175R.
Identifiers: ClinVar variation 2581496 (VCV002581496.3), dbSNP rs201288428, ClinGen allele CA5961615.

ClinVar aggregate classification (germline): Uncertain significance. Review status: criteria provided, multiple submitters, no conflicts (2 of 4 stars). 2 submissions from 2 submitters: Uncertain significance (2). Last evaluated 2025-10-31.

Conditions:
Inborn genetic diseases. Identifiers: MedGen C0950123, MeSH D030342.

Allele frequency attached by ClinVar (database versions not stated): gnomAD exomes 0.00001; gnomAD 0.00003; TOPMed 0.00003; ExAC 0.00008; ESP Exome Variant Server 0.00016.
gnomAD v4.1: 8 of 1,600,302 alleles (0.0005%); highest among the groups gnomAD compares: Middle Eastern, 0.016%; no homozygotes.

Submissions (2):

Women's Health and Genetics/Laboratory Corporation of America, LabCorp
Classification: Uncertain significance. Last evaluated: 2025-10-31. Review status: criteria provided, single submitter. Criteria: LabCorp Variant Classification Summary - May 2015. Collection method: clinical testing. Allele origin: germline.
Comment: Variant summary: CREB3L1 c.523G>A (p.Gly175Arg) results in a non-conservative amino acid change in the encoded protein sequence. Algorithms developed to predict the effect of missense changes on protein structure and function are either unavailable or do not agree on the potential impact of this missense change. The variant allele was found at a frequency of 2.6e-05 in 227026 control chromosomes. The available data on variant occurrences in the general population are insufficient to allow any conclusion about variant significance. To our knowledge, no occurrence of c.523G>A in individuals affected with CREB3L1-related conditions and no experimental evidence demonstrating its impact on protein function have been reported. ClinVar contains an entry for this variant (Variation ID: 2581496). Based on the evidence outlined above, the variant was classified as uncertain significance.

Ambry Genetics
Classification: Uncertain significance for Inborn genetic diseases. Last evaluated: 2025-08-01. Review status: criteria provided, single submitter. Criteria: Ambry Variant Classification Scheme 2023. Collection method: clinical testing. Allele origin: germline.